The following is an entry in ClinVar:

NM_032776.3(JMJD1C):c.2479G>A (p.Ala827Thr)

Gene: JMJD1C (jumonji domain containing 1C; minus strand). Cytogenetic location: 10q21.3.
Variant type: single nucleotide variant.
Coding change: c.2479G>A on transcript NM_032776.3 (MANE Select); coding-DNA position 2479, G replaced by A.
Protein change: p.Ala827Thr; replaces alanine 827 with threonine.
Molecular consequence: missense variant. On other transcripts: non-coding transcript variant (1).
Genome position (GRCh38, 1-based): chr10:63,213,688, C>T on the plus strand (G>A on the coding strand, the complement: JMJD1C is on the minus strand). VCF-style: chr10-63213688-C-T. GRCh37 (hg19) VCF-style: chr10-64973448-C-T.
Other names: c.1933G>A, p.Ala645Thr (NM_001282948.2, NM_001318154.2); c.1615G>A, p.Ala539Thr (NM_001318153.2); c.2365G>A, p.Ala789Thr (NM_001322252.2); c.1822G>A, p.Ala608Thr (NM_001322254.2, NM_001322258.2); short protein forms A539T, A608T, A789T, A645T, A827T.
Identifiers: ClinVar variation 2605690 (VCV002605690.5), dbSNP rs529645012, ClinGen allele CA5518629.

ClinVar aggregate classification (germline): Uncertain significance. Review status: criteria provided, multiple submitters, no conflicts (2 of 4 stars). 2 submissions from 2 submitters: Uncertain significance (2). Last evaluated 2025-12-30.

Conditions:
Early Myoclonic Encephalopathy. Identifiers: MedGen C0270855.

Allele frequency attached by ClinVar (database versions not stated): TOPMed 0.00001; 1000 Genomes Project 30x 0.00016; gnomAD 0.00001; 1000 Genomes Project 0.00020.

Submissions (2):

Ambry Genetics
Classification: Uncertain significance. Last evaluated: 2025-12-30. Review status: criteria provided, single submitter. Criteria: Ambry Variant Classification Scheme 2023. Collection method: clinical testing. Allele origin: germline.

Labcorp Genetics (formerly Invitae), Labcorp
Classification: Uncertain significance for Early Myoclonic Encephalopathy. Last evaluated: 2024-11-24. Review status: criteria provided, single submitter. Criteria: Invitae Variant Classification Sherloc (09022015). Collection method: clinical testing. Allele origin: germline.
Comment: This sequence change replaces alanine, which is neutral and non-polar, with threonine, which is neutral and polar, at codon 827 of the JMJD1C protein (p.Ala827Thr). This variant is present in population databases (rs529645012, gnomAD 0.006%). This variant has not been reported in the literature in individuals affected with JMJD1C-related conditions. ClinVar contains an entry for this variant (Variation ID: 2605690). Invitae Evidence Modeling of protein sequence and biophysical properties (such as structural, functional, and spatial information, amino acid conservation, physicochemical variation, residue mobility, and thermodynamic stability) indicates that this missense variant is not expected to disrupt JMJD1C protein function with a negative predictive value of 80%. In summary, the available evidence is currently insufficient to determine the role of this variant in disease. Therefore, it has been classified as a Variant of Uncertain Significance.